The following is an entry in ClinVar:

NM_013275.6(ANKRD11):c.1258G>C (p.Val420Leu)

Gene: ANKRD11 (ankyrin repeat domain containing 11; minus strand). Cytogenetic location: 16q24.3.
Variant type: single nucleotide variant.
Coding change: c.1258G>C on transcript NM_013275.6 (MANE Select); coding-DNA position 1258, G replaced by C.
Protein change: p.Val420Leu; replaces valine 420 with leucine.
Molecular consequence: missense variant.
Genome position (GRCh38, 1-based): chr16:89,285,284, C>G on the plus strand (G>C on the coding strand, the complement: ANKRD11 is on the minus strand). VCF-style: chr16-89285284-C-G. GRCh37 (hg19) VCF-style: chr16-89351692-C-G.
Other names: c.1258G>C, p.Val420Leu (NM_001256182.2, NM_001256183.2); short protein forms V420L.
Identifiers: ClinVar variation 3369933 (VCV003369933.1).

ClinVar aggregate classification (germline): Uncertain significance (1 of 4 stars; one submission).

Submission:

GeneDx
Classification: Uncertain significance. Last evaluated: 2024-04-25. Review status: criteria provided, single submitter. Criteria: GeneDx Variant Classification Process June 2021. Collection method: clinical testing. Allele origin: germline. Affected: yes.
Comment: Not observed at significant frequency in large population cohorts (gnomAD); In silico analysis indicates that this missense variant does not alter protein structure/function; Has not been previously published as pathogenic or benign to our knowledge